The following is an entry in ClinVar:

ClinVar aggregate classification (germline): Benign/Likely benign. Review status: criteria provided, multiple submitters, no conflicts (2 of 4 stars). 2 submissions from 2 submitters: Benign (1); Likely benign (1). Last evaluated 2025-08-21.

Conditions:
Fructose-biphosphatase deficiency (FBP1D). Also called: Fructose-1,6-Bisphosphatase 1 Deficiency; Fructose 1,6 Bisphosphatase Deficiency; Fructose-1,6-Diphosphatase Deficiency. Identifiers: Orphanet 348, MedGen C0016756, MONDO:0009251, OMIM 229700.

Allele frequency attached by ClinVar (database versions not stated): ESP Exome Variant Server 0.00023; gnomAD 0.00019 and 0.00020; TOPMed 0.00021; ExAC 0.00009; 1000 Genomes Project 0.00020.
gnomAD v4.1: 69 of 1,605,190 alleles (0.0043%); highest among the groups gnomAD compares: African/African-American, 0.061%; no homozygotes.

Submissions (2):

Labcorp Genetics (formerly Invitae), Labcorp
Classification: Likely benign for Fructose-biphosphatase deficiency. Last evaluated: 2025-08-21. Review status: criteria provided, single submitter. Criteria: Invitae Variant Classification Sherloc (09022015). Collection method: clinical testing. Allele origin: germline.

GeneDx
Classification: Benign. Last evaluated: 2012-11-28. Review status: criteria provided, single submitter. Criteria: GeneDx Variant Classification (06012015). Collection method: clinical testing. Allele origin: germline. Affected: yes.
Comment: This variant is considered likely benign or benign based on one or more of the following criteria: it is a conservative change, it occurs at a poorly conserved position in the protein, it is predicted to be benign by multiple in silico algorithms, and/or has population frequency not consistent with disease.

NM_000507.4(FBP1):c.141G>C (p.Ser47=)

Gene: FBP1 (fructose-bisphosphatase 1; minus strand). Cytogenetic location: 9q22.32.
Variant type: single nucleotide variant.
Coding change: c.141G>C on transcript NM_000507.4 (MANE Select); coding-DNA position 141, G replaced by C.
Protein change: p.Ser47=; no amino-acid change (serine 47 retained).
Molecular consequence: synonymous variant.
Genome position (GRCh38, 1-based): chr9:94,639,170, C>G on the plus strand (G>C on the coding strand, the complement: FBP1 is on the minus strand). VCF-style: chr9-94639170-C-G. GRCh37 (hg19) VCF-style: chr9-97401452-C-G.
Other names: p.S47S:TCG>TCC; c.141G>C, p.Ser47= (NM_001127628.2).
Identifiers: ClinVar variation 137362 (VCV000137362.5), dbSNP rs148976582, ClinGen allele CA290912.